The following is an entry in ClinVar:

NM_016357.5(LIMA1):c.270A>G (p.Leu90=)

Gene: LIMA1 (LIM domain and actin binding 1; minus strand). Cytogenetic location: 12q13.12.
Variant type: single nucleotide variant.
Coding change: c.270A>G on transcript NM_016357.5 (MANE Select); coding-DNA position 270, A replaced by G.
Protein change: p.Leu90=; no amino-acid change (leucine 90 retained).
Molecular consequence: synonymous variant. On other transcripts: 5 prime UTR variant (1), intron variant (1).
Genome position (GRCh38, 1-based): chr12:50,222,381, T>C on the plus strand (A>G on the coding strand, the complement: LIMA1 is on the minus strand). VCF-style: chr12-50222381-T-C. GRCh37 (hg19) VCF-style: chr12-50616164-T-C.
Other names: c.270A>G, p.Leu90= (NM_001113546.2, NM_001394886.1, NM_001394887.1 and 5 more transcripts); c.-211A>G (NM_001113547.2); c.166-169A>G (NM_001394893.1).
Identifiers: ClinVar variation 3033633 (VCV003033633.2), dbSNP rs139678259, ClinGen allele CA6562808.

ClinVar aggregate classification (germline): Likely benign (0 of 4 stars; one submission).

Conditions:
LIMA1-related disorder. Also called: LIMA1-related condition.

Allele frequency attached by ClinVar (database versions not stated): ExAC 0.00006; gnomAD 0.00007; TOPMed 0.00008; gnomAD exomes 0.00012; ESP Exome Variant Server 0.00015.
gnomAD v4.1: 191 of 1,614,034 alleles (0.012%); highest among the groups gnomAD compares: Non-Finnish European, 0.015%; no homozygotes.

Submission:

PreventionGenetics, part of Exact Sciences
Classification: Likely benign for LIMA1-related condition. Last evaluated: 2019-06-19. Review status: no assertion criteria provided. Collection method: clinical testing. Allele origin: germline.
Comment: This variant is classified as likely benign based on ACMG/AMP sequence variant interpretation guidelines (Richards et al. 2015 PMID: 25741868, with internal and published modifications).